The following is an entry in ClinVar:

NM_006915.3(RP2):c.949G>A (p.Glu317Lys)

Gene: RP2 (RP2 activator of ARL3 GTPase; plus strand). Cytogenetic location: Xp11.3.
Variant type: single nucleotide variant.
Coding change: c.949G>A on transcript NM_006915.3 (MANE Select); coding-DNA position 949, G replaced by A.
Protein change: p.Glu317Lys; replaces glutamic acid 317 with lysine.
Molecular consequence: missense variant.
Genome position (GRCh38, 1-based): chrX:46,877,570, G>A. VCF-style: chrX-46877570-G-A. GRCh37 (hg19) VCF-style: chrX-46737005-G-A.
Other names: short protein forms E317K.
Identifiers: ClinVar variation 722473 (VCV000722473.38), dbSNP rs782721235, ClinGen allele CA10394268.

ClinVar aggregate classification (germline): Benign/Likely benign. Review status: criteria provided, multiple submitters, no conflicts (2 of 4 stars). 6 submissions from 6 submitters: Benign (1); Likely benign (2). 3 of the submissions do not count toward it. Last evaluated 2025-09-17.

Conditions:
Retinal dystrophy. Also called: Inherited retinal dystrophy. Identifiers: Orphanet 71862, MedGen C0854723, MeSH D058499, MONDO:0019118, HP:0000556.

Allele frequency attached by ClinVar (database versions not stated): gnomAD 0.00002 and 0.00003; TOPMed 0.00003; gnomAD exomes 0.00004 and 0.00006; ExAC 0.00008.
gnomAD v4.1: 52 of 1,190,479 alleles (0.0044%); highest among the groups gnomAD compares: Middle Eastern, 0.26%; no homozygotes.

Submissions (6):

Labcorp Genetics (formerly Invitae), Labcorp
Classification: Benign. Last evaluated: 2025-09-17. Review status: criteria provided, single submitter. Criteria: Invitae Variant Classification Sherloc (09022015). Collection method: clinical testing. Allele origin: germline.

Blueprint Genetics
Classification: Likely benign. Last evaluated: 2024-06-10. Review status: criteria provided, single submitter. Criteria: ACMG Guidelines, 2015. Collection method: clinical testing. Allele origin: germline.

CeGaT Center for Human Genetics Tuebingen
Classification: Likely benign. Last evaluated: 2023-03-01. Review status: criteria provided, single submitter. Criteria: CeGaT Center For Human Genetics Tuebingen Variant Classification Criteria Version 2. Collection method: clinical testing. Allele origin: germline. Affected: yes. Observed: 2 variant alleles.
Comment: RP2: BP4, BS2

Institute of Human Genetics, Univ. Regensburg, Univ. Regensburg
Classification: Uncertain significance for Retinal dystrophy. Last evaluated: 2020-01-01. Review status: no assertion criteria provided. Criteria: ACMG Guidelines, 2015. Collection method: clinical testing. Allele origin: germline. Affected: yes. Not counted in ClinVar's aggregate classification.

Clinical Genetics DNA and cytogenetics Diagnostics Lab, Erasmus MC, Erasmus Medical Center
Classification: Likely benign. Review status: no assertion criteria provided. Collection method: clinical testing. Allele origin: germline. Affected: yes. Study: VKGL Data-share Consensus. Not counted in ClinVar's aggregate classification.

Joint Genome Diagnostic Labs from Nijmegen and Maastricht, Radboudumc and MUMC+
Classification: Likely benign. Review status: no assertion criteria provided. Collection method: clinical testing. Allele origin: germline. Affected: yes. Study: VKGL Data-share Consensus. Not counted in ClinVar's aggregate classification.